The following is an entry in ClinVar:

NM_001264.5(CDSN):c.1580del (p.Asn527fs)

Genes: CDSN (corneodesmosin; minus strand), PSORS1C1 (psoriasis susceptibility 1 candidate 1; plus strand). Cytogenetic location: 6p21.33.
Variant type: Deletion.
Coding change: c.1580del on transcript NM_001264.5 (MANE Select); coding-DNA position 1580, one base deleted (A; older notation c.1580delA).
Protein change: p.Asn527fs; shifts the reading frame from asparagine 527.
Molecular consequence: frameshift variant. On other transcripts: intron variant (1).
Genome position (GRCh38, 1-based): chr6:31,116,035, T deleted on the plus strand (A on the coding strand, the reverse complement: CDSN is on the minus strand); the first of 2 consecutive T bases (chr6:31,116,035-31,116,036); deleting either gives the same sequence. VCF-style (leftmost placement, unchanged base first): chr6-31116034-GT-G. GRCh37 (hg19) VCF-style: chr6-31083811-GT-G.
Other names: c.-229+1145del (NM_014068.3); short protein forms N527fs.
Identifiers: ClinVar variation 1976622 (VCV001976622.5), dbSNP rs750279345, ClinGen allele CA3708283.
Genomic context (GRCh38, chr6:31,116,034, plus strand): 5'-TGTATGTGCTTGTTTGTGCCCAAGGCATGCACACACACAACAGTTGACTTCTTATGGACT[GT>G]TGAGTAACTCTCCTTGGGGTAGGAAAACTTCAGGGTCAGCTAGCTGGGGCCCCAGAGGCT-3'

ClinVar aggregate classification (germline): Uncertain significance (1 of 4 stars; one submission).

Submission:

Labcorp Genetics (formerly Invitae), Labcorp
Classification: Uncertain significance. Last evaluated: 2024-02-23. Review status: criteria provided, single submitter. Criteria: Invitae Variant Classification Sherloc (09022015). Collection method: clinical testing. Allele origin: germline.
Comment: This sequence change results in a frameshift in the CDSN gene (p.Asn527Thrfs*71). While this is not anticipated to result in nonsense mediated decay, it is expected to disrupt the last 3 amino acid(s) of the CDSN protein and extend the protein by 67 additional amino acid residues. This variant is present in population databases (rs750279345, gnomAD 0.006%). This variant has not been reported in the literature in individuals affected with CDSN-related conditions. ClinVar contains an entry for this variant (Variation ID: 1976622). In summary, the available evidence is currently insufficient to determine the role of this variant in disease. Therefore, it has been classified as a Variant of Uncertain Significance.